The following is an entry in ClinVar:

NM_001367949.2(FAT3):c.13423G>A (p.Ala4475Thr)

Gene: FAT3 (FAT atypical cadherin 3; plus strand). Cytogenetic location: 11q14.3.
Variant type: single nucleotide variant.
Coding change: c.13423G>A on transcript NM_001367949.2 (MANE Select); coding-DNA position 13423, G replaced by A.
Protein change: p.Ala4475Thr; replaces alanine 4475 with threonine.
Molecular consequence: missense variant.
Genome position (GRCh38, 1-based): chr11:92,890,766, G>A. VCF-style: chr11-92890766-G-A. GRCh37 (hg19) VCF-style: chr11-92623932-G-A.
Other names: c.13327G>A, p.Ala4443Thr (NM_001008781.3); short protein forms A4443T, A4475T.
Identifiers: ClinVar variation 785376 (VCV000785376.6), dbSNP rs114541747, ClinGen allele CA6228786.

ClinVar aggregate classification (germline): Benign. Review status: criteria provided, multiple submitters, no conflicts (2 of 4 stars). 3 submissions from 3 submitters: Benign (2). 1 of the submissions does not count toward it. Last evaluated 2018-05-08.

Conditions:
FAT3-related disorder. Also called: FAT3-related condition.

Allele frequency attached by ClinVar (database versions not stated): gnomAD 0.00755 and 0.00705; TOPMed 0.00786; ESP Exome Variant Server 0.00889; ExAC 0.00237; gnomAD exomes 0.00078 and 0.00191; 1000 Genomes Project 0.00998; 1000 Genomes Project 30x 0.01062.
gnomAD v4.1: 2,270 of 1,613,700 alleles (0.14%); highest among the groups gnomAD compares: African/African-American, 2.6%; 25 homozygotes.

Submissions (3):

Labcorp Genetics (formerly Invitae), Labcorp
Classification: Benign. Last evaluated: 2018-05-08. Review status: criteria provided, single submitter. Criteria: Invitae Variant Classification Sherloc (09022015). Collection method: clinical testing. Allele origin: germline.

Breakthrough Genomics
Classification: Benign. Review status: criteria provided, single submitter. Criteria: ACMG Guidelines, 2015. Collection method: not provided. Allele origin: germline. Inheritance: Unknown mechanism. Affected: yes.

PreventionGenetics, part of Exact Sciences
Classification: Benign for FAT3-related condition. Last evaluated: 2019-03-11. Review status: no assertion criteria provided. Collection method: clinical testing. Allele origin: germline. Not counted in ClinVar's aggregate classification.
Comment: This variant is classified as benign based on ACMG/AMP sequence variant interpretation guidelines (Richards et al. 2015 PMID: 25741868, with internal and published modifications).